The following is an entry in ClinVar:

NM_020937.4(FANCM):c.4281T>G (p.Val1427=)

Gene: FANCM (FA complementation group M; plus strand). Cytogenetic location: 14q21.2.
Variant type: single nucleotide variant.
Coding change: c.4281T>G on transcript NM_020937.4 (MANE Select); coding-DNA position 4281, T replaced by G.
Protein change: p.Val1427=; no amino-acid change (valine 1427 retained).
Molecular consequence: synonymous variant.
Genome position (GRCh38, 1-based): chr14:45,181,488, T>G. VCF-style: chr14-45181488-T-G. GRCh37 (hg19) VCF-style: chr14-45650691-T-G.
Other names: c.4203T>G, p.Val1401= (NM_001308133.2).
Identifiers: ClinVar variation 1314050 (VCV001314050.4), dbSNP rs972227888, ClinGen allele CA486140779.

ClinVar aggregate classification (germline): Conflicting classifications of pathogenicity. Review status: criteria provided, conflicting classifications (1 of 4 stars). 3 submissions from 3 submitters: Uncertain significance (1); Likely benign (2). Last evaluated 2026-06-02.

Conditions:
Fanconi anemia (FA). Also called: Fanconi's anemia. Identifiers: Orphanet 84, MedGen C0015625, MeSH D005199, MONDO:0019391.
Inborn genetic diseases. Identifiers: MedGen C0950123, MeSH D030342.

gnomAD v4.1: 1 of 1,608,336 alleles (0.000062%); highest among the groups gnomAD compares: African/African-American, 0.0013%; no homozygotes.

Submissions (3):

Ambry Genetics
Classification: Likely benign for Inborn genetic diseases. Last evaluated: 2026-06-02. Review status: criteria provided, single submitter. Criteria: Ambry Variant Classification Scheme 2023. Collection method: clinical testing. Allele origin: germline.

Labcorp Genetics (formerly Invitae), Labcorp
Classification: Likely benign for Fanconi anemia. Last evaluated: 2025-11-05. Review status: criteria provided, single submitter. Criteria: Invitae Variant Classification Sherloc (09022015). Collection method: clinical testing. Allele origin: germline.

GeneDx
Classification: Uncertain significance. Last evaluated: 2021-01-07. Review status: criteria provided, single submitter. Criteria: GeneDx Variant Classification Process June 2021. Collection method: clinical testing. Allele origin: germline. Affected: yes.
Comment: Not observed at a significant frequency in large population cohorts (Lek 2016); In silico analysis supports that this variant does not alter splicing; Has not been previously published as pathogenic or benign to our knowledge